The following is an entry in ClinVar:

NM_003982.4(SLC7A7):c.1344del (p.Ile449fs)

Gene: SLC7A7 (solute carrier family 7 member 7; minus strand). Cytogenetic location: 14q11.2.
Variant type: Deletion.
Coding change: c.1344del on transcript NM_003982.4 (MANE Select); coding-DNA position 1344, one base deleted (C; older notation c.1344delC).
Protein change: p.Ile449fs; shifts the reading frame from isoleucine 449.
Molecular consequence: frameshift variant.
Genome position (GRCh38, 1-based): chr14:22,774,018, G deleted on the plus strand (C on the coding strand, the reverse complement: SLC7A7 is on the minus strand); the first of 2 consecutive G bases (chr14:22,774,018-22,774,019); deleting either gives the same sequence. VCF-style (leftmost placement, unchanged base first): chr14-22774017-TG-T. GRCh37 (hg19) VCF-style: chr14-23243226-TG-T.
Other names: c.1344del, p.Ile449fs (NM_001126105.3, NM_001126106.4); c.1344delC (NM_001126105.2); short protein forms I449fs.
Identifiers: ClinVar variation 56355 (VCV000056355.2), dbSNP rs386833803, ClinGen allele CA263782.

ClinVar aggregate classification (germline): Likely pathogenic (0 of 4 stars; one submission).

Conditions:
Lysinuric protein intolerance (LPI). Identifiers: Orphanet 470, MedGen C0268647, MONDO:0009109, OMIM 222700.

Submission:

Juha Muilu Group; Institute for Molecular Medicine Finland (FIMM)
Classification: Likely pathogenic for Lysinuric protein intolerance. Review status: no assertion criteria provided. Collection method: not provided. Allele origin: unknown.
Comment: FinDis database variant: This variant was not found or characterized by our laboratory, data were collected from public sources: see reference
ClinVar note: Converted during submission from probable-pathogenic to Likely pathogenic.